The following is an entry in ClinVar:

Conditions:
Breast-ovarian cancer, familial, susceptibility to, 1 (BROVCA1). Also called: BRCA1 Hereditary Breast and Ovarian Cancer; OVARIAN CANCER, SUSCEPTIBILITY TO. Identifiers: Orphanet 145, MedGen C2676676, MONDO:0011450, OMIM 604370. Disease mechanism: loss of function.

Submission:

Brotman Baty Institute, University of Washington
No classification provided (evidence only). Condition: Breast-ovarian cancer, familial 1. Review status: no classification provided. Collection method: in vitro. Allele origin: not applicable. Functional consequence: functionally_normal.
ClinVar note: "not provided" was previously submitted as the classification for the variant. However, the classification appeared to be based only on an observation of functional data so it was converted to no classification on 2025-07-30.

NM_007294.4(BRCA1):c.5253A>G (p.Arg1751=)

Gene: BRCA1 (BRCA1 DNA repair associated; minus strand). Cytogenetic location: 17q21.31.
Variant type: single nucleotide variant.
Coding change: c.5253A>G on transcript NM_007294.4 (MANE Select); coding-DNA position 5253, A replaced by G.
Protein change: p.Arg1751=; no amino-acid change (arginine 1751 retained).
Molecular consequence: synonymous variant.
Genome position (GRCh38, 1-based): chr17:43,057,076, T>C on the plus strand (A>G on the coding strand, the complement: BRCA1 is on the minus strand). VCF-style: chr17-43057076-T-C. GRCh37 (hg19) VCF-style: chr17-41209093-T-C.
Other names: c.5250A>G, p.Arg1750= (NM_001407616.1, NM_001407617.1, NM_001407618.1 and 17 more transcripts); c.5247A>G, p.Arg1749= (NM_001407627.1, NM_001407628.1, NM_001407629.1 and 14 more transcripts); c.5244A>G, p.Arg1748= (NM_001407644.1, NM_001407645.1); c.5241A>G, p.Arg1747= (NM_001407646.1); c.5238A>G, p.Arg1746= (NM_001407647.1); c.5196A>G, p.Arg1732= (NM_001407648.1); c.5193A>G, p.Arg1731= (NM_001407649.1); c.5175A>G, p.Arg1725= (NM_001407652.1, NM_001407653.1, NM_001407654.1 and 1 more transcripts); and 72 more.
Identifiers: ClinVar variation 867892 (VCV000867892.3), dbSNP rs2051505002, ClinGen allele CA500144601.